The following is an entry in ClinVar:

NM_022740.5(HIPK2):c.1748C>A (p.Thr583Asn)

Gene: HIPK2 (homeodomain interacting protein kinase 2; minus strand). Cytogenetic location: 7q34.
Variant type: single nucleotide variant.
Coding change: c.1748C>A on transcript NM_022740.5 (MANE Select); coding-DNA position 1748, C replaced by A.
Protein change: p.Thr583Asn; replaces threonine 583 with asparagine.
Molecular consequence: missense variant.
Genome position (GRCh38, 1-based): chr7:139,620,435, G>T on the plus strand (C>A on the coding strand, the complement: HIPK2 is on the minus strand). VCF-style: chr7-139620435-G-T. GRCh37 (hg19) VCF-style: chr7-139305181-G-T.
Other names: c.1748C>A, p.Thr583Asn (NM_001113239.3); short protein forms T583N.
Identifiers: ClinVar variation 4270906 (VCV004270906.1).

ClinVar aggregate classification (germline): Uncertain significance (1 of 4 stars; one submission).

Submission:

Ambry Genetics
Classification: Uncertain significance. Last evaluated: 2025-06-18. Review status: criteria provided, single submitter. Criteria: Ambry Variant Classification Scheme 2023. Collection method: clinical testing. Allele origin: germline.
Comment: The c.1748C>A (p.T583N) alteration is located in exon (coding exon ) of the HIPK2 gene. This alteration results from a C to A substitution at nucleotide position 1748, causing the threonine (T) at amino acid position 583 to be replaced by an asparagine (N). Based on insufficient or conflicting evidence, the clinical significance of this alteration remains unclear.